The following is an entry in ClinVar:

NM_014956.5(CEP164):c.2509C>T (p.Arg837Ter)

Gene: CEP164 (centrosomal protein 164; plus strand). Cytogenetic location: 11q23.3.
Variant type: single nucleotide variant.
Coding change: c.2509C>T on transcript NM_014956.5 (MANE Select); coding-DNA position 2509, C replaced by T.
Protein change: p.Arg837Ter; replaces arginine 837 with a stop codon.
Molecular consequence: nonsense.
Genome position (GRCh38, 1-based): chr11:117,393,019, C>T. VCF-style: chr11-117393019-C-T. GRCh37 (hg19) VCF-style: chr11-117263735-C-T.
Other names: c.2518C>T, p.Arg840Ter (NM_001271933.2); c.2509C>T (NM_014956.4); short protein forms R840*, R837*.
Identifiers: ClinVar variation 1362712 (VCV001362712.9), dbSNP rs774951398, ClinGen allele CA6295109.

ClinVar aggregate classification (germline): Pathogenic/Likely pathogenic. Review status: criteria provided, multiple submitters, no conflicts (2 of 4 stars). 4 submissions from 4 submitters: Pathogenic (1); Likely pathogenic (3). Last evaluated 2025-11-07.

Conditions:
Nephronophthisis 15 (NPHP15). Identifiers: Orphanet 3156, MedGen C3541853, MONDO:0013917, OMIM 614845.
CEP164-related disorder. Also called: CEP164-related condition.

Allele frequency attached by ClinVar (database versions not stated): gnomAD exomes below 0.00001 and 0.00001; ExAC 0.00001; gnomAD 0.00001; TOPMed 0.00002.

Submissions (4):

PreventionGenetics, part of Exact Sciences
Classification: Likely pathogenic for CEP164-related condition. Last evaluated: 2025-11-07. Review status: criteria provided, single submitter. Criteria: ACMG Guidelines, 2015. Collection method: clinical testing. Allele origin: germline.
Comment: The CEP164 c.2509C>T variant is predicted to result in premature protein termination (p.Arg837*). To our knowledge, this variant has not been reported in the literature. This variant is reported in 0.00088% of alleles in individuals of European (Non-Finnish) descent in gnomAD. Nonsense variants in CEP164 are expected to be pathogenic. This variant is interpreted as likely pathogenic.

Labcorp Genetics (formerly Invitae), Labcorp
Classification: Pathogenic for Nephronophthisis 15. Last evaluated: 2025-09-09. Review status: criteria provided, single submitter. Criteria: Invitae Variant Classification Sherloc (09022015). Collection method: clinical testing. Allele origin: germline.
Comment: This sequence change creates a premature translational stop signal (p.Arg837*) in the CEP164 gene. It is expected to result in an absent or disrupted protein product. Loss-of-function variants in CEP164 are known to be pathogenic (PMID: 22863007, 28125082, 32367404, 34132027, 34499853). This variant is present in population databases (rs774951398, gnomAD 0.0009%). This variant has not been reported in the literature in individuals affected with CEP164-related conditions. ClinVar contains an entry for this variant (Variation ID: 1362712). For these reasons, this variant has been classified as Pathogenic.

Fulgent Genetics
Classification: Likely pathogenic for Nephronophthisis 15. Last evaluated: 2022-03-03. Review status: criteria provided, single submitter. Criteria: ACMG Guidelines, 2015. Collection method: clinical testing. Allele origin: unknown.

Blueprint Genetics
Classification: Likely pathogenic for CEP164-related disorders. Last evaluated: 2019-09-21. Review status: criteria provided, single submitter. Criteria: ACMG Guidelines, 2015. Collection method: clinical testing. Allele origin: germline. Affected: yes. Observed: 3 variant alleles.

Literature cited by the submitters: PubMed 22863007 (cited by Labcorp Genetics (formerly Invitae), Labcorp); PubMed 28125082 (cited by Labcorp Genetics (formerly Invitae), Labcorp); PubMed 32367404 (cited by Labcorp Genetics (formerly Invitae), Labcorp); PubMed 34132027 (cited by Labcorp Genetics (formerly Invitae), Labcorp); PubMed 34499853 (cited by Labcorp Genetics (formerly Invitae), Labcorp).